The following is an entry in ClinVar:

NM_001558.4(IL10RA):c.67+139C>T

Gene: IL10RA (interleukin 10 receptor subunit alpha; plus strand). Cytogenetic location: 11q23.3.
Variant type: single nucleotide variant.
Coding change: c.67+139C>T on transcript NM_001558.4 (MANE Select); 139 bases into the intron after coding-DNA position 67, C replaced by T.
Molecular consequence: intron variant.
Genome position (GRCh38, 1-based): chr11:117,986,673, C>T. VCF-style: chr11-117986673-C-T. GRCh37 (hg19) VCF-style: chr11-117857388-C-T.
Identifiers: ClinVar variation 2642409 (VCV002642409.24), dbSNP rs540712256, ClinGen allele CA6298806.

ClinVar aggregate classification (germline): Likely benign (1 of 4 stars; one submission).

Allele frequency attached by ClinVar (database versions not stated): 1000 Genomes Project 0.00080; 1000 Genomes Project 30x 0.00094; ExAC 0.00172; TOPMed 0.00356; gnomAD 0.00369; gnomAD exomes 0.00550.
gnomAD v4.1: 8,176 of 1,536,116 alleles (0.53%); highest among the groups gnomAD compares: Non-Finnish European, 0.65%; 23 homozygotes.

Submission:

CeGaT Center for Human Genetics Tuebingen
Classification: Likely benign. Last evaluated: 2023-03-01. Review status: criteria provided, single submitter. Criteria: CeGaT Center For Human Genetics Tuebingen Variant Classification Criteria Version 2. Collection method: clinical testing. Allele origin: germline. Affected: yes. Observed: 2 variant alleles.
Comment: IL10RA: BS2